The following is an entry in ClinVar:

ClinVar aggregate classification (germline): Uncertain significance (1 of 4 stars; one submission).

gnomAD v4.1: 9 of 1,398,924 alleles (0.00064%); highest among the groups gnomAD compares: Non-Finnish European, 0.00083%; no homozygotes.

Submission:

Ambry Genetics
Classification: Uncertain significance. Last evaluated: 2025-06-25. Review status: criteria provided, single submitter. Criteria: Ambry Variant Classification Scheme 2023. Collection method: clinical testing. Allele origin: germline.
Comment: The c.-2C>G variant is located in the 5' untranslated region (5&rsquo; UTR) of the EGLN1 gene. This variant results from a C to G substitution 2 bases upstream from the first translated codon. This nucleotide position is highly conserved in available vertebrate species. The evidence for this gene-disease relationship is limited; therefore, the clinical significance of this alteration is unclear.

NM_022051.3(EGLN1):c.-2C>G

Gene: EGLN1 (egl-9 family hypoxia inducible factor 1; minus strand). Cytogenetic location: 1q42.2.
Variant type: single nucleotide variant.
Coding change: c.-2C>G on transcript NM_022051.3 (MANE Select); 2 bases upstream of the start codon, C replaced by G.
Molecular consequence: 5 prime UTR variant.
Genome position (GRCh38, 1-based): chr1:231,421,890, G>C on the plus strand (C>G on the coding strand, the complement: EGLN1 is on the minus strand). VCF-style: chr1-231421890-G-C. GRCh37 (hg19) VCF-style: chr1-231557636-G-C.
Other names: c.-2C>G (NM_001377260.1, NM_001377261.1).
Identifiers: ClinVar variation 4247379 (VCV004247379.1).
Genomic context (GRCh38, chr1:231,421,890, plus strand): 5'-TACTGCCGGTCTCGCTCGCTCGGGCTCGGCCCGCCGGGCCCGCCGCTGTCATTGGCCATG[G>C]CGGCGGCGGCGGCGGCGACGGCGACTGCGGCGGCCGAGCAGGAGGGGTAGCGGCCGGACG-3'